The following is an entry in ClinVar:

NM_007194.4(CHEK2):c.743T>A (p.Ile248Lys)

Gene: CHEK2 (checkpoint kinase 2; minus strand). Cytogenetic location: 22q12.1.
Variant type: single nucleotide variant.
Coding change: c.743T>A on transcript NM_007194.4 (MANE Select); coding-DNA position 743, T replaced by A.
Protein change: p.Ile248Lys; replaces isoleucine 248 with lysine.
Molecular consequence: missense variant.
Genome position (GRCh38, 1-based): chr22:28,711,958, A>T on the plus strand (T>A on the coding strand, the complement: CHEK2 is on the minus strand). VCF-style: chr22-28711958-A-T. GRCh37 (hg19) VCF-style: chr22-29107946-A-T.
Other names: c.872T>A, p.Ile291Lys (NM_001005735.3); c.80T>A, p.Ile27Lys (NM_001257387.3); c.542T>A, p.Ile181Lys (NM_001349956.3); c.743T>A, p.Ile248Lys (NM_145862.3); short protein forms I181K, I248K, I27K, I291K.
Identifiers: ClinVar variation 1482845 (VCV001482845.7), dbSNP rs2053411134, ClinGen allele CA411103254.

ClinVar aggregate classification (germline): Uncertain significance (1 of 4 stars; one submission).

Conditions:
Familial cancer of breast. Also called: hereditary breast carcinoma; Hereditary breast cancer; BREAST CANCER, FAMILIAL. Identifiers: Orphanet 227535, MedGen C0346153, MONDO:0016419, OMIM 114480. Disease mechanism: loss of function.

Submission:

Labcorp Genetics (formerly Invitae), Labcorp
Classification: Uncertain significance for Familial cancer of breast. Last evaluated: 2021-08-04. Review status: criteria provided, single submitter. Criteria: Invitae Variant Classification Sherloc (09022015). Collection method: clinical testing. Allele origin: germline.
Comment: In summary, the available evidence is currently insufficient to determine the role of this variant in disease. Therefore, it has been classified as a Variant of Uncertain Significance. Algorithms developed to predict the effect of missense changes on protein structure and function are either unavailable or do not agree on the potential impact of this missense change (SIFT: "Deleterious"; PolyPhen-2: "Possibly Damaging"; Align-GVGD: "Class C0"). This variant has not been reported in the literature in individuals affected with CHEK2-related conditions. This variant is not present in population databases (ExAC no frequency). This sequence change replaces isoleucine with lysine at codon 248 of the CHEK2 protein (p.Ile248Lys). The isoleucine residue is moderately conserved and there is a moderate physicochemical difference between isoleucine and lysine.